The following is an entry in ClinVar:

NM_020822.3(KCNT1):c.2551T>A (p.Cys851Ser)

Gene: KCNT1 (potassium sodium-activated channel subfamily T member 1; plus strand). Cytogenetic location: 9q34.3.
Variant type: single nucleotide variant.
Coding change: c.2551T>A on transcript NM_020822.3 (MANE Select); coding-DNA position 2551, T replaced by A.
Protein change: p.Cys851Ser; replaces cysteine 851 with serine.
Molecular consequence: missense variant.
Genome position (GRCh38, 1-based): chr9:135,778,452, T>A. VCF-style: chr9-135778452-T-A. GRCh37 (hg19) VCF-style: chr9-138670298-T-A.
Other names: c.2416T>A, p.Cys806Ser (NM_001272003.2); short protein forms C806S, C851S.
Identifiers: ClinVar variation 3342337 (VCV003342337.1).

ClinVar aggregate classification (germline): Uncertain significance (1 of 4 stars; one submission).

Submission:

GeneDx
Classification: Uncertain significance. Last evaluated: 2024-02-21. Review status: criteria provided, single submitter. Criteria: GeneDx Variant Classification Process June 2021. Collection method: clinical testing. Allele origin: germline. Affected: yes.
Comment: Not observed at significant frequency in large population cohorts (gnomAD); In silico analysis supports that this missense variant does not alter protein structure/function; Has not been previously published as pathogenic or benign to our knowledge